The following is an entry in ClinVar:

ClinVar aggregate classification (germline): Uncertain significance. Review status: criteria provided, multiple submitters, no conflicts (2 of 4 stars). 2 submissions from 2 submitters: Uncertain significance (2). Last evaluated 2024-10-22.

Conditions:
Familial cancer of breast. Also called: Hereditary breast cancer; hereditary breast carcinoma; BREAST CANCER, FAMILIAL. Identifiers: Orphanet 227535, MedGen C0346153, MONDO:0016419, OMIM 114480. Disease mechanism: loss of function.

Submissions (2):

Labcorp Genetics (formerly Invitae), Labcorp
Classification: Uncertain significance for Familial cancer of breast. Last evaluated: 2024-10-22. Review status: criteria provided, single submitter. Criteria: Invitae Variant Classification Sherloc (09022015). Collection method: clinical testing. Allele origin: germline.
Comment: This sequence change replaces valine, which is neutral and non-polar, with isoleucine, which is neutral and non-polar, at codon 511 of the CHEK2 protein (p.Val511Ile). This variant is not present in population databases (gnomAD no frequency). This variant has not been reported in the literature in individuals affected with CHEK2-related conditions. ClinVar contains an entry for this variant (Variation ID: 654642). An algorithm developed to predict the effect of missense changes on protein structure and function outputs the following: PolyPhen-2: "Benign". The isoleucine amino acid residue is found in multiple mammalian species, which suggests that this missense change does not adversely affect protein function. In summary, the available evidence is currently insufficient to determine the role of this variant in disease. Therefore, it has been classified as a Variant of Uncertain Significance.

GeneDx
Classification: Uncertain significance. Last evaluated: 2023-12-19. Review status: criteria provided, single submitter. Criteria: GeneDx Variant Classification Process June 2021. Collection method: clinical testing. Allele origin: germline. Affected: yes.
Comment: Not observed at significant frequency in large population cohorts (gnomAD); In silico analysis supports that this missense variant does not alter protein structure/function; Has not been previously published as pathogenic or benign to our knowledge; In silico analysis is inconclusive as to whether the variant alters gene splicing. In the absence of RNA/functional studies, the actual effect of this sequence change is unknown.

NM_007194.4(CHEK2):c.1531G>A (p.Val511Ile)

Gene: CHEK2 (checkpoint kinase 2; minus strand). Cytogenetic location: 22q12.1.
Variant type: single nucleotide variant.
Coding change: c.1531G>A on transcript NM_007194.4 (MANE Select); coding-DNA position 1531, G replaced by A.
Protein change: p.Val511Ile; replaces valine 511 with isoleucine.
Molecular consequence: missense variant.
Genome position (GRCh38, 1-based): chr22:28,689,146, C>T on the plus strand (G>A on the coding strand, the complement: CHEK2 is on the minus strand). VCF-style: chr22-28689146-C-T. GRCh37 (hg19) VCF-style: chr22-29085134-C-T.
Other names: c.1660G>A, p.Val554Ile (NM_001005735.3); c.868G>A, p.Val290Ile (NM_001257387.3); c.1330G>A, p.Val444Ile (NM_001349956.3); c.1444G>A, p.Val482Ile (NM_145862.3); short protein forms V290I, V444I, V482I, V511I, V554I.
Identifiers: ClinVar variation 654642 (VCV000654642.10), dbSNP rs1601701749, ClinGen allele CA411092323.